The following is an entry in ClinVar:

ClinVar aggregate classification (germline): Uncertain significance. Review status: criteria provided, multiple submitters, no conflicts (2 of 4 stars). 2 submissions from 2 submitters: Uncertain significance (2). Last evaluated 2025-02-17.

Conditions:
Myopathy, proximal, and ophthalmoplegia (CMYO6). Also called: INCLUSION BODY MYOPATHY 3, AUTOSOMAL DOMINANT; CONGENITAL MYOPATHY 6 WITH OPHTHALMOPLEGIA; MYOPATHY WITH CONGENITAL JOINT CONTRACTURES, OPHTHALMOPLEGIA, AND RIMMED VACUOLES. Identifiers: Orphanet 363677, Orphanet 79091, MedGen C1854106, MONDO:0011577, OMIM 605637.

gnomAD v4.1: 15 of 1,614,204 alleles (0.00093%); highest among the groups gnomAD compares: Middle Eastern, 0.049%; no homozygotes.

Submissions (2):

Labcorp Genetics (formerly Invitae), Labcorp
Classification: Uncertain significance for Myopathy, proximal, and ophthalmoplegia. Last evaluated: 2025-02-17. Review status: criteria provided, single submitter. Criteria: Invitae Variant Classification Sherloc (09022015). Collection method: clinical testing. Allele origin: germline.
Comment: This sequence change replaces alanine, which is neutral and non-polar, with serine, which is neutral and polar, at codon 1334 of the MYH2 protein (p.Ala1334Ser). This variant is present in population databases (rs779257410, gnomAD 0.0009%). This variant has not been reported in the literature in individuals affected with MYH2-related conditions. ClinVar contains an entry for this variant (Variation ID: 465938). Invitae Evidence Modeling of protein sequence and biophysical properties (such as structural, functional, and spatial information, amino acid conservation, physicochemical variation, residue mobility, and thermodynamic stability) indicates that this missense variant is not expected to disrupt MYH2 protein function with a negative predictive value of 80%. In summary, the available evidence is currently insufficient to determine the role of this variant in disease. Therefore, it has been classified as a Variant of Uncertain Significance.

Revvity Omics, Revvity
Classification: Uncertain significance for Myopathy, proximal, and ophthalmoplegia. Last evaluated: 2020-01-03. Review status: criteria provided, single submitter. Criteria: ACMG Guidelines, 2015. Collection method: clinical testing. Allele origin: germline.

NM_017534.6(MYH2):c.4000G>T (p.Ala1334Ser)

Genes: MYH2 (myosin heavy chain 2; minus strand), MYHAS (myosin heavy chain gene cluster antisense RNA; plus strand). Cytogenetic location: 17p13.1.
Variant type: single nucleotide variant.
Coding change: c.4000G>T on transcript NM_017534.6 (MANE Select); coding-DNA position 4000, G replaced by T.
Protein change: p.Ala1334Ser; replaces alanine 1334 with serine.
Molecular consequence: missense variant.
Genome position (GRCh38, 1-based): chr17:10,526,786, C>A on the plus strand (G>T on the coding strand, the complement: MYH2 is on the minus strand). VCF-style: chr17-10526786-C-A. GRCh37 (hg19) VCF-style: chr17-10430103-C-A.
Other names: c.4000G>T, p.Ala1334Ser (NM_001100112.2); short protein forms A1334S.
Identifiers: ClinVar variation 465938 (VCV000465938.6), dbSNP rs779257410, ClinGen allele CA8390749.
Genomic context (GRCh38, chr17:10,526,786, plus strand): 5'-CATACTGTTCCCGCAGCAGGTCACAGTCGTGGCGGGAAGACTGCAGGGCATGCGCCAGGG[C>A]GTTCTTGGCCTATGGAGGCAGTTACACCTTCATTTTACTGGATATTTAAATATTTAACTC-3'
Protein context (NP_060004.3, residues 1324-1344): QLEEEIKAKN[Ala1334Ser]LAHALQSSRH